The following is an entry in ClinVar:

ClinVar aggregate classification (germline): Pathogenic (1 of 4 stars; one submission).

Submission:

Labcorp Genetics (formerly Invitae), Labcorp
Classification: Pathogenic. Last evaluated: 2023-05-09. Review status: criteria provided, single submitter. Criteria: Invitae Variant Classification Sherloc (09022015). Collection method: clinical testing. Allele origin: germline.
Comment: This sequence change creates a premature translational stop signal (p.Gln109*) in the ACO2 gene. It is expected to result in an absent or disrupted protein product. Loss-of-function variants in ACO2 are known to be pathogenic (PMID: 30689204, 32519519). This variant is not present in population databases (gnomAD no frequency). This variant has not been reported in the literature in individuals affected with ACO2-related conditions. For these reasons, this variant has been classified as Pathogenic.

Literature cited by the submitters: PubMed 30689204; PubMed 32519519.

NM_001098.3(ACO2):c.325C>T (p.Gln109Ter)

Gene: ACO2 (aconitase 2; plus strand). Cytogenetic location: 22q13.2.
Variant type: single nucleotide variant.
Coding change: c.325C>T on transcript NM_001098.3 (MANE Select); coding-DNA position 325, C replaced by T.
Protein change: p.Gln109Ter; replaces glutamine 109 with a stop codon.
Molecular consequence: nonsense.
Genome position (GRCh38, 1-based): chr22:41,507,942, C>T. VCF-style: chr22-41507942-C-T. GRCh37 (hg19) VCF-style: chr22-41903946-C-T.
Other names: short protein forms Q109*.
Identifiers: ClinVar variation 2862912 (VCV002862912.3), dbSNP rs2518216846, ClinGen allele CA411713614.